The following is an entry in ClinVar:

ClinVar aggregate classification (germline): Likely benign (1 of 4 stars; one submission).

Submission:

Women's Health and Genetics/Laboratory Corporation of America, LabCorp
Classification: Likely benign. Last evaluated: 2024-10-29. Review status: criteria provided, single submitter. Criteria: LabCorp Variant Classification Summary - May 2015. Collection method: clinical testing. Allele origin: germline.
Comment: Variant summary: CYBA c.521delinsCGGC (p.Val174delinsAlaAla) results in an in-frame deletion-insertion and is a multinucleotide variant consiting of c.527_529dupCGG and c.521T>C. The variant allele was found at a frequency of 0.00067 in 1534392 control chromosomes. The observed variant frequency is approximately 1.094 fold of the estimated maximal expected allele frequency for a pathogenic variant in CYBA causing Chronic Granulomatous Disease phenotype (0.00061). To our knowledge, no occurrence of c.521delinsCGGC in individuals affected with Chronic Granulomatous Disease and no experimental evidence demonstrating its impact on protein function have been reported. ClinVar contains an entry for this variant (Variation ID: 2691531). Based on the evidence outlined above, the variant was classified as likely benign.

NM_000101.4(CYBA):c.521delinsCGGC (p.Val174delinsAlaAla)

Gene: CYBA (cytochrome b-245 alpha chain; minus strand). Cytogenetic location: 16q24.2.
Variant type: Indel.
Coding change: c.521delinsCGGC on transcript NM_000101.4 (MANE Select); coding-DNA position 521, T replaced by CGGC.
Protein change: p.Val174delinsAlaAla.
Molecular consequence: inframe indel.
Genome position (GRCh38, 1-based): chr16:88,643,420, A replaced by GCCG on the plus strand (T replaced by CGGC on the coding strand, the reverse complement: CYBA is on the minus strand). VCF-style: chr16-88643420-A-GCCG. GRCh37 (hg19) VCF-style: chr16-88709828-A-GCCG.
Identifiers: ClinVar variation 2691531 (VCV002691531.2), dbSNP rs2507521076, ClinGen allele CA2697556006.